The following is an entry in ClinVar:

NM_000540.3(RYR1):c.8128C>G (p.Leu2710Val)

Gene: RYR1 (ryanodine receptor 1; plus strand). Cytogenetic location: 19q13.2.
Variant type: single nucleotide variant.
Coding change: c.8128C>G on transcript NM_000540.3 (MANE Select); coding-DNA position 8128, C replaced by G.
Protein change: p.Leu2710Val; replaces leucine 2710 with valine.
Molecular consequence: missense variant.
Genome position (GRCh38, 1-based): chr19:38,504,808, C>G. VCF-style: chr19-38504808-C-G. GRCh37 (hg19) VCF-style: chr19-38995448-C-G.
Other names: c.8128C>G, p.Leu2710Val (NM_001042723.2); short protein forms L2710V.
Identifiers: ClinVar variation 4527238 (VCV004527238.2).
Genomic context (GRCh38, chr19:38,504,808, plus strand): 5'-AAATACGACCCGGAGCTGTACCGCATGGCCATGCCTTGTCTGTGCGCCATTGCCGGGGCT[C>G]TGCCCCCCGACTATGTGGATGCCTCATACTCATCTAAGGCAGAGAAAAAGGCCACAGTGG-3'
Protein context (NP_000531.2, residues 2700-2720): MPCLCAIAGA[Leu2710Val]PPDYVDASYS

ClinVar aggregate classification (germline): Uncertain significance. Review status: criteria provided, multiple submitters, no conflicts (2 of 4 stars). 2 submissions from 2 submitters: Uncertain significance (2). Last evaluated 2026-08-13.

Conditions:
Inborn genetic diseases. Identifiers: MedGen C0950123, MeSH D030342.

gnomAD v4.1: 21 of 1,614,136 alleles (0.0013%); highest among the groups gnomAD compares: Non-Finnish European, 0.0017%; no homozygotes.

Submissions (2):

Ambry Genetics
Classification: Uncertain significance for Inborn genetic diseases. Last evaluated: 2026-08-13. Review status: criteria provided, single submitter. Criteria: Ambry Variant Classification Scheme 2023. Collection method: clinical testing. Allele origin: germline.

GeneDx
Classification: Uncertain significance. Last evaluated: 2025-04-23. Review status: criteria provided, single submitter. Criteria: GeneDx Variant Classification Process June 2021. Collection method: clinical testing. Allele origin: germline. Affected: yes.
Comment: Not observed at significant frequency in large population cohorts (gnomAD); In silico analysis indicates that this missense variant does not alter protein structure/function; Has not been previously published as pathogenic or benign to our knowledge; This variant is associated with the following publications: (PMID: 12668474)